The following is an entry in ClinVar:

NM_001365276.2(TNXB):c.6371C>T (p.Ser2124Phe)

Gene: TNXB (tenascin XB; minus strand). Cytogenetic location: 6p21.33.
Variant type: single nucleotide variant.
Coding change: c.6371C>T on transcript NM_001365276.2 (MANE Select); coding-DNA position 6371, C replaced by T.
Protein change: p.Ser2124Phe; replaces serine 2124 with phenylalanine.
Molecular consequence: missense variant.
Genome position (GRCh38, 1-based): chr6:32,067,834, G>A on the plus strand (C>T on the coding strand, the complement: TNXB is on the minus strand). VCF-style: chr6-32067834-G-A. GRCh37 (hg19) VCF-style: chr6-32035611-G-A.
Other names: c.6371C>T, p.Ser2124Phe (NM_019105.8); short protein forms S2124F.
Identifiers: ClinVar variation 1753124 (VCV001753124.2), dbSNP rs2483563483, ClinGen allele CA363400022.
Genomic context (GRCh38, chr6:32,067,834, plus strand): 5'-TCGCCCCCAACACGCACCACCTGGGGCCGCCCGTCCCTGTCCTTGTACTGCACGGTGAAG[G>A]AGTCGAAGCGGCCCTGGGGGACGGTCCAGGAGAGGCTCAGCGAGTCAGGGGAGGATCCTG-3'
Protein context (NP_001352205.1, residues 2114-2134): SWTVPQGRFD[Ser2124Phe]FTVQYKDRDG

ClinVar aggregate classification (germline): Uncertain significance (1 of 4 stars; one submission).

Conditions:
Cardiovascular phenotype. Identifiers: MedGen CN230736.

Submission:

Ambry Genetics
Classification: Uncertain significance for Cardiovascular phenotype. Last evaluated: 2023-12-10. Review status: criteria provided, single submitter. Criteria: Ambry Variant Classification Scheme 2023. Collection method: clinical testing. Allele origin: germline.
Comment: The p.S2124F variant (also known as c.6371C>T), located in coding exon 17 of the TNXB gene, results from a C to T substitution at nucleotide position 6371. The serine at codon 2124 is replaced by phenylalanine, an amino acid with highly dissimilar properties. This amino acid position is not well conserved in available vertebrate species, and phenylalanine is the reference amino acid in other vertebrate species. In addition, this alteration is predicted to be tolerated by in silico analysis. Since supporting evidence is limited at this time, the clinical significance of this alteration remains unclear.